The following is an entry in ClinVar:

NM_006015.6(ARID1A):c.1184A>G (p.Tyr395Cys)

Gene: ARID1A (AT-rich interaction domain 1A; plus strand). Cytogenetic location: 1p36.11.
Variant type: single nucleotide variant.
Coding change: c.1184A>G on transcript NM_006015.6 (MANE Select); coding-DNA position 1184, A replaced by G.
Protein change: p.Tyr395Cys; replaces tyrosine 395 with cysteine.
Molecular consequence: missense variant.
Genome position (GRCh38, 1-based): chr1:26,729,697, A>G. VCF-style: chr1-26729697-A-G. GRCh37 (hg19) VCF-style: chr1-27056188-A-G.
Other names: c.1184A>G, p.Tyr395Cys (NM_139135.4); short protein forms Y395C.
Identifiers: ClinVar variation 4761603 (VCV004761603.1).

ClinVar aggregate classification (germline): Uncertain significance (1 of 4 stars; one submission).

gnomAD v4.1: 10 of 1,614,138 alleles (0.00062%); no homozygotes.

Submission:

Labcorp Genetics (formerly Invitae), Labcorp
Classification: Uncertain significance. Last evaluated: 2025-09-27. Review status: criteria provided, single submitter. Criteria: Invitae Variant Classification Sherloc (09022015). Collection method: clinical testing. Allele origin: germline.
Comment: This sequence change replaces tyrosine, which is neutral and polar, with cysteine, which is neutral and slightly polar, at codon 395 of the ARID1A protein (p.Tyr395Cys). This variant is present in population databases (no rsID available, gnomAD 0.02%). This variant has not been reported in the literature in individuals affected with ARID1A-related conditions. Invitae Evidence Modeling of protein sequence and biophysical properties (such as structural, functional, and spatial information, amino acid conservation, physicochemical variation, residue mobility, and thermodynamic stability) has been performed for this missense variant. However, the output from this modeling did not meet the statistical confidence thresholds required to predict the impact of this variant on ARID1A protein function. In summary, the available evidence is currently insufficient to determine the role of this variant in disease. Therefore, it has been classified as a Variant of Uncertain Significance.